The following is an entry in ClinVar:

ClinVar aggregate classification (germline): Uncertain significance (1 of 4 stars; one submission).

Allele frequency attached by ClinVar (database versions not stated): TOPMed 0.00002.
gnomAD v4.1: 4 of 1,614,142 alleles (0.00025%); highest among the groups gnomAD compares: Middle Eastern, 0.016%; no homozygotes.

Submission:

Labcorp Genetics (formerly Invitae), Labcorp
Classification: Uncertain significance. Last evaluated: 2022-03-12. Review status: criteria provided, single submitter. Criteria: Invitae Variant Classification Sherloc (09022015). Collection method: clinical testing. Allele origin: germline.
Comment: In summary, the available evidence is currently insufficient to determine the role of this variant in disease. Therefore, it has been classified as a Variant of Uncertain Significance. Algorithms developed to predict the effect of missense changes on protein structure and function are either unavailable or do not agree on the potential impact of this missense change (SIFT: "Deleterious"; PolyPhen-2: "Probably Damaging"; Align-GVGD: "Class C0"). This variant has not been reported in the literature in individuals affected with LAMA1-related conditions. This variant is present in population databases (no rsID available, gnomAD 0.003%). This sequence change replaces glutamine, which is neutral and polar, with histidine, which is basic and polar, at codon 2108 of the LAMA1 protein (p.Gln2108His).

NM_005559.4(LAMA1):c.6324G>C (p.Gln2108His)

Gene: LAMA1 (laminin subunit alpha 1; minus strand). Cytogenetic location: 18p11.31.
Variant type: single nucleotide variant.
Coding change: c.6324G>C on transcript NM_005559.4 (MANE Select); coding-DNA position 6324, G replaced by C.
Protein change: p.Gln2108His; replaces glutamine 2108 with histidine.
Molecular consequence: missense variant.
Genome position (GRCh38, 1-based): chr18:6,977,748, C>G on the plus strand (G>C on the coding strand, the complement: LAMA1 is on the minus strand). VCF-style: chr18-6977748-C-G. GRCh37 (hg19) VCF-style: chr18-6977747-C-G.
Other names: short protein forms Q2108H.
Identifiers: ClinVar variation 2183193 (VCV002183193.4), dbSNP rs1288996109, ClinGen allele CA401831082.